The following is an entry in ClinVar:

ClinVar aggregate classification (germline): Likely benign. Review status: criteria provided, multiple submitters, no conflicts (2 of 4 stars). 4 submissions from 4 submitters: Likely benign (3). 1 of the submissions does not count toward it. Last evaluated 2025-12-01.

Conditions:
ATRIP-related disorder. Also called: ATRIP-related condition.

Allele frequency attached by ClinVar (database versions not stated): ExAC 0.00152; gnomAD exomes 0.00161 and 0.00182; 1000 Genomes Project 30x 0.00125; gnomAD 0.00130 and 0.00132; TOPMed 0.00130; 1000 Genomes Project 0.00140; ESP Exome Variant Server 0.00146.
gnomAD v4.1: 2,903 of 1,613,992 alleles (0.18%); highest among the groups gnomAD compares: Non-Finnish European, 0.2%; 5 homozygotes.

Submissions (4):

Labcorp Genetics (formerly Invitae), Labcorp
Classification: Likely benign. Last evaluated: 2025-12-01. Review status: criteria provided, single submitter. Criteria: Invitae Variant Classification Sherloc (09022015). Collection method: clinical testing. Allele origin: germline.

Ambry Genetics
Classification: Likely benign. Last evaluated: 2024-08-21. Review status: criteria provided, single submitter. Criteria: Ambry Variant Classification Scheme 2023. Collection method: clinical testing. Allele origin: germline.

Breakthrough Genomics
Classification: Likely benign. Review status: criteria provided, single submitter. Criteria: ACMG Guidelines, 2015. Collection method: not provided. Allele origin: germline. Inheritance: Unknown mechanism. Affected: yes.

PreventionGenetics, part of Exact Sciences
Classification: Likely benign for ATRIP-related condition. Last evaluated: 2019-05-14. Review status: no assertion criteria provided. Collection method: clinical testing. Allele origin: germline. Not counted in ClinVar's aggregate classification.
Comment: This variant is classified as likely benign based on ACMG/AMP sequence variant interpretation guidelines (Richards et al. 2015 PMID: 25741868, with internal and published modifications).

NM_130384.3(ATRIP):c.1476C>T (p.Val492=)

Genes: ATRIP (ATR interacting protein; plus strand), ATRIP-TREX1 (ATRIP-TREX1 readthrough; plus strand). Cytogenetic location: 3p21.31.
Variant type: single nucleotide variant.
Coding change: c.1476C>T on transcript NM_130384.3 (MANE Select); coding-DNA position 1476, C replaced by T.
Protein change: p.Val492=; no amino-acid change (valine 492 retained).
Molecular consequence: synonymous variant. On other transcripts: non-coding transcript variant (1).
Genome position (GRCh38, 1-based): chr3:48,460,530, C>T. VCF-style: chr3-48460530-C-T. GRCh37 (hg19) VCF-style: chr3-48501929-C-T.
Other names: c.1476C>T (NM_130384.1); c.1095C>T, p.Val365= (NM_001271022.2); c.1197C>T, p.Val399= (NM_001271023.2); c.1476C>T, p.Val492= (NM_032166.4).
Identifiers: ClinVar variation 723989 (VCV000723989.13), dbSNP rs34508594, ClinGen allele CA2376207.
Genomic context (GRCh38, chr3:48,460,530, plus strand): 5'-AGGCTTCTCTGTGACTGCACTTAGCATTCTTCAGCACCTGGTGTGCCACAGCGGAGCAGT[C>T]GTCTCCCTATTACTGTCAGGAGTGGGGGCAGATTCTGCTGCTGGGGAAGGAAACAGGAGC-3'
Protein context (NP_569055.1, residues 482-502): LQHLVCHSGA[Val492=]VSLLLSGVGA